The following is an entry in ClinVar:

NM_001122769.3(LCA5):c.698A>T (p.Asp233Val)

Gene: LCA5 (lebercilin LCA5; minus strand). Cytogenetic location: 6q14.1.
Variant type: single nucleotide variant.
Coding change: c.698A>T on transcript NM_001122769.3 (MANE Select); coding-DNA position 698, A replaced by T.
Protein change: p.Asp233Val; replaces aspartic acid 233 with valine.
Molecular consequence: missense variant.
Genome position (GRCh38, 1-based): chr6:79,513,234, T>A on the plus strand (A>T on the coding strand, the complement: LCA5 is on the minus strand). VCF-style: chr6-79513234-T-A. GRCh37 (hg19) VCF-style: chr6-80222951-T-A.
Other names: c.698A>T (NM_181714.3); c.698A>T, p.Asp233Val (NM_181714.4); short protein forms D233V.
Identifiers: ClinVar variation 2148488 (VCV002148488.5), dbSNP rs1766293616, ClinGen allele CA364628150.
Genomic context (GRCh38, chr6:79,513,234, plus strand): 5'-TCCCAAGAAAGTACAATTAGAAGCTGTAGAAATTGTACCTTAATTCTTCTCTCGGTGTCA[T>A]CTAACTTTAACTCTGCTGAAACTAGTTTCTTTGCCAAATCATCTCGTTCAGGTAGGTGTC-3'
Protein context (NP_001116241.1, residues 223-243): KKLVSAELKL[Asp233Val]DTERRIKELS

ClinVar aggregate classification (germline): Uncertain significance. Review status: criteria provided, multiple submitters, no conflicts (2 of 4 stars). 2 submissions from 2 submitters: Uncertain significance (2). Last evaluated 2024-11-28.

Conditions:
Inborn genetic diseases. Identifiers: MedGen C0950123, MeSH D030342.

Allele frequency attached by ClinVar (database versions not stated): gnomAD exomes 0.00001.

Submissions (2):

Ambry Genetics
Classification: Uncertain significance for Inborn genetic diseases. Last evaluated: 2024-11-28. Review status: criteria provided, single submitter. Criteria: Ambry Variant Classification Scheme 2023. Collection method: clinical testing. Allele origin: germline.

Labcorp Genetics (formerly Invitae), Labcorp
Classification: Uncertain significance. Last evaluated: 2022-07-14. Review status: criteria provided, single submitter. Criteria: Invitae Variant Classification Sherloc (09022015). Collection method: clinical testing. Allele origin: germline.
Comment: This variant is not present in population databases (gnomAD no frequency). This sequence change replaces aspartic acid, which is acidic and polar, with valine, which is neutral and non-polar, at codon 233 of the LCA5 protein (p.Asp233Val). This variant has not been reported in the literature in individuals affected with LCA5-related conditions. Algorithms developed to predict the effect of missense changes on protein structure and function are either unavailable or do not agree on the potential impact of this missense change (SIFT: "Deleterious"; PolyPhen-2: "Probably Damaging"; Align-GVGD: "Class C0"). In summary, the available evidence is currently insufficient to determine the role of this variant in disease. Therefore, it has been classified as a Variant of Uncertain Significance.